The following is an entry in ClinVar:

ClinVar aggregate classification (germline): Uncertain significance (1 of 4 stars; one submission).

Allele frequency attached by ClinVar (database versions not stated): TOPMed 0.00001.

Submission:

Labcorp Genetics (formerly Invitae), Labcorp
Classification: Uncertain significance. Last evaluated: 2022-06-19. Review status: criteria provided, single submitter. Criteria: Invitae Variant Classification Sherloc (09022015). Collection method: clinical testing. Allele origin: germline.
Comment: In summary, the available evidence is currently insufficient to determine the role of this variant in disease. Therefore, it has been classified as a Variant of Uncertain Significance. Algorithms developed to predict the effect of missense changes on protein structure and function (SIFT, PolyPhen-2, Align-GVGD) all suggest that this variant is likely to be tolerated. This variant has not been reported in the literature in individuals affected with SEC61A1-related conditions. This variant is not present in population databases (gnomAD no frequency). This sequence change replaces isoleucine, which is neutral and non-polar, with valine, which is neutral and non-polar, at codon 183 of the SEC61A1 protein (p.Ile183Val).

NM_013336.4(SEC61A1):c.547A>G (p.Ile183Val)

Gene: SEC61A1 (SEC61 translocon subunit alpha 1; plus strand). Cytogenetic location: 3q21.3.
Variant type: single nucleotide variant.
Coding change: c.547A>G on transcript NM_013336.4 (MANE Select); coding-DNA position 547, A replaced by G.
Protein change: p.Ile183Val; replaces isoleucine 183 with valine.
Molecular consequence: missense variant.
Genome position (GRCh38, 1-based): chr3:128,060,592, A>G. VCF-style: chr3-128060592-A-G. GRCh37 (hg19) VCF-style: chr3-127779435-A-G.
Other names: c.565A>G, p.Ile189Val (NM_001400328.1); c.388A>G, p.Ile130Val (NM_001400329.1); short protein forms I183V, I189V, I130V.
Identifiers: ClinVar variation 2178416 (VCV002178416.4), dbSNP rs1051874554, ClinGen allele CA83353347.
Genomic context (GRCh38, chr3:128,060,592, plus strand): 5'-CTACTTTTGGATGAACTCCTGCAAAAAGGATATGGCCTTGGCTCTGGTATTTCTCTCTTC[A>G]TTGCAACTAACATCTGTGAAACCATCGTATGGAAGGCATTCAGCCCCACTACTGTCAACA-3'
Protein context (NP_037468.1, residues 173-193): YGLGSGISLF[Ile183Val]ATNICETIVW